The following is an entry in ClinVar:

ClinVar aggregate classification (germline): Uncertain significance. Review status: criteria provided, multiple submitters, no conflicts (2 of 4 stars). 2 submissions from 2 submitters: Uncertain significance (2). Last evaluated 2025-11-24.

Allele frequency attached by ClinVar (database versions not stated): gnomAD exomes below 0.00001; TOPMed below 0.00001; gnomAD 0.00001.
gnomAD v4.1: 2 of 1,614,116 alleles (0.00012%); highest among the groups gnomAD compares: Non-Finnish European, 0.00017%; no homozygotes.

Submissions (2):

Labcorp Genetics (formerly Invitae), Labcorp
Classification: Uncertain significance. Last evaluated: 2025-11-24. Review status: criteria provided, single submitter. Criteria: Invitae Variant Classification Sherloc (09022015). Collection method: clinical testing. Allele origin: germline.
Comment: This sequence change replaces isoleucine, which is neutral and non-polar, with threonine, which is neutral and polar, at codon 718 of the FLNB protein (p.Ile718Thr). This variant is not present in population databases (gnomAD no frequency). This variant has not been reported in the literature in individuals affected with FLNB-related conditions. ClinVar contains an entry for this variant (Variation ID: 2987998). Invitae Evidence Modeling of protein sequence and biophysical properties (such as structural, functional, and spatial information, amino acid conservation, physicochemical variation, residue mobility, and thermodynamic stability) indicates that this missense variant is not expected to disrupt FLNB protein function with a negative predictive value of 80%. In summary, the available evidence is currently insufficient to determine the role of this variant in disease. Therefore, it has been classified as a Variant of Uncertain Significance.

Women's Health and Genetics/Laboratory Corporation of America, LabCorp
Classification: Uncertain significance. Last evaluated: 2025-09-04. Review status: criteria provided, single submitter. Criteria: LabCorp Variant Classification Summary - May 2015. Collection method: clinical testing. Allele origin: germline.
Comment: Variant summary: FLNB c.2153T>C (p.Ile718Thr) results in a non-conservative amino acid change in the encoded protein sequence. Algorithms developed to predict the effect of missense changes on protein structure and function all suggest that this variant is likely to be disruptive. The variant was absent in 250968 control chromosomes. The available data on variant occurrences in the general population are insufficient to allow any conclusion about variant significance. To our knowledge, no occurrence of c.2153T>C in individuals affected with FLNB-related conditions and no experimental evidence demonstrating its impact on protein function have been reported. ClinVar contains an entry for this variant (Variation ID: 2987998). Based on the evidence outlined above, the variant was classified as uncertain significance.

NM_001457.4(FLNB):c.2153T>C (p.Ile718Thr)

Gene: FLNB (filamin B; plus strand). Cytogenetic location: 3p14.3.
Variant type: single nucleotide variant.
Coding change: c.2153T>C on transcript NM_001457.4 (MANE Select); coding-DNA position 2153, T replaced by C.
Protein change: p.Ile718Thr; replaces isoleucine 718 with threonine.
Molecular consequence: missense variant.
Genome position (GRCh38, 1-based): chr3:58,109,276, T>C. VCF-style: chr3-58109276-T-C. GRCh37 (hg19) VCF-style: chr3-58095003-T-C.
Other names: c.2153T>C, p.Ile718Thr (NM_001164317.2, NM_001164318.2, NM_001164319.2); short protein forms I718T.
Identifiers: ClinVar variation 2987998 (VCV002987998.4), dbSNP rs2097264617, ClinGen allele CA353343097.
Genomic context (GRCh38, chr3:58,109,276, plus strand): 5'-ACCGGATGGACGGCACATATGCATGCTCATACACCCCGGTGAAGGCCATCAAGCACACCA[T>C]TGCTGTGGTCTGGGGAGGCGTGAACATCCCGCACAGCCCCTACAGGGTAGGTTGTGAGGC-3'
Protein context (NP_001448.2, residues 708-728): YTPVKAIKHT[Ile718Thr]AVVWGGVNIP